The following is an entry in ClinVar:

NM_001110556.2(FLNA):c.3873G>A (p.Pro1291=)

Gene: FLNA (filamin A; minus strand). Cytogenetic location: Xq28.
Variant type: single nucleotide variant.
Coding change: c.3873G>A on transcript NM_001110556.2 (MANE Select); coding-DNA position 3873, G replaced by A.
Protein change: p.Pro1291=; no amino-acid change (proline 1291 retained).
Molecular consequence: synonymous variant.
Genome position (GRCh38, 1-based): chrX:154,359,838, C>T on the plus strand (G>A on the coding strand, the complement: FLNA is on the minus strand). VCF-style: chrX-154359838-C-T. GRCh37 (hg19) VCF-style: chrX-153588206-C-T.
Other names: c.3873G>A (NM_001110556.1, NM_001456.3); c.3873G>A, p.Pro1291= (NM_001456.4).
Identifiers: ClinVar variation 1120745 (VCV001120745.13), dbSNP rs1557177617, ClinGen allele CA519708010.

ClinVar aggregate classification (germline): Likely benign. Review status: criteria provided, multiple submitters, no conflicts (2 of 4 stars). 4 submissions from 4 submitters: Likely benign (3). 1 of the submissions does not count toward it. Last evaluated 2026-02-02.

Conditions:
Familial thoracic aortic aneurysm and aortic dissection (TAAD). Also called: Thoracic aortic aneurysms and dissections. Identifiers: Orphanet 91387, MedGen C4707243, MONDO:0019625.
Frontometaphyseal dysplasia (FMD1). Identifiers: Orphanet 1826, MedGen C0265293, MONDO:0015942.
Heterotopia, periventricular, X-linked dominant (PVNH1). Also called: PERIVENTRICULAR NODULAR HETEROTOPIA 1; X-linked periventricular heterotopia; PERIVENTRICULAR NODULAR HETEROTOPIA 4; HETEROTOPIA, PERIVENTRICULAR, 1. Identifiers: Orphanet 2149, Orphanet 82004, MedGen C1848213, MONDO:0010233, OMIM 300049.
Oto-palato-digital syndrome, type II (OPD2). Also called: FACIOPALATOOSSEOUS SYNDROME; OPD II SYNDROME; Otopalatodigital Syndrome Type 2 (FLNA-OPD2); Otopalatodigital Syndrome, Type II. Identifiers: Orphanet 669, Orphanet 90652, MedGen C1844696, MONDO:0010571, OMIM 304120.
Melnick-Needles syndrome (MNS). Also called: MELNICK-NEEDLES OSTEODYSPLASTY; OSTEODYSPLASTY OF MELNICK AND NEEDLES; Melnick-Needles Syndrome (FLNA-MNS). Identifiers: Orphanet 2484, MedGen C0025237, MONDO:0010650, OMIM 309350.
FLNA-related disorder.

Allele frequency attached by ClinVar (database versions not stated): gnomAD exomes below 0.00001 and 0.00002.
gnomAD v4.1: 6 of 1,210,255 alleles (0.0005%); highest among the groups gnomAD compares: Admixed American, 0.0043%; no homozygotes.

Submissions (4):

Women's Health and Genetics/Laboratory Corporation of America, LabCorp
Classification: Likely benign. Last evaluated: 2026-02-02. Review status: criteria provided, single submitter. Criteria: LabCorp Variant Classification Summary - May 2015. Collection method: clinical testing. Allele origin: germline.

Ambry Genetics
Classification: Likely benign for Familial thoracic aortic aneurysm and aortic dissection. Last evaluated: 2026-01-25. Review status: criteria provided, single submitter. Criteria: Ambry Variant Classification Scheme 2023. Collection method: clinical testing. Allele origin: germline.

Labcorp Genetics (formerly Invitae), Labcorp
Classification: Likely benign for Oto-palato-digital syndrome, type II; Heterotopia, periventricular, X-linked dominant; Frontometaphyseal dysplasia; Melnick-Needles syndrome. Last evaluated: 2026-01-19. Review status: criteria provided, single submitter. Criteria: Invitae Variant Classification Sherloc (09022015). Collection method: clinical testing. Allele origin: germline.

PreventionGenetics, part of Exact Sciences
Classification: Likely benign for FLNA-related condition. Last evaluated: 2022-02-07. Review status: no assertion criteria provided. Collection method: clinical testing. Allele origin: germline. Not counted in ClinVar's aggregate classification.
Comment: This variant is classified as likely benign based on ACMG/AMP sequence variant interpretation guidelines (Richards et al. 2015 PMID: 25741868, with internal and published modifications).